The following is an entry in ClinVar:

NM_001844.5(COL2A1):c.3590G>C (p.Gly1197Ala)

Gene: COL2A1 (collagen type II alpha 1 chain; minus strand). Cytogenetic location: 12q13.11.
Variant type: single nucleotide variant.
Coding change: c.3590G>C on transcript NM_001844.5 (MANE Select); coding-DNA position 3590, G replaced by C.
Protein change: p.Gly1197Ala; replaces glycine 1197 with alanine.
Molecular consequence: missense variant.
Genome position (GRCh38, 1-based): chr12:47,975,970, C>G on the plus strand (G>C on the coding strand, the complement: COL2A1 is on the minus strand). VCF-style: chr12-47975970-C-G. GRCh37 (hg19) VCF-style: chr12-48369753-C-G.
Other names: c.3383G>C, p.Gly1128Ala (NM_033150.3); short protein forms G1128A, G1197A.
Identifiers: ClinVar variation 988359 (VCV000988359.6), dbSNP rs1938686073, ClinGen allele CA384537265.
Genomic context (GRCh38, chr12:47,975,970, plus strand): 5'-CCTCCCGGATGGTAGGGACACCTCGACAGCAGGGAAGGAGTCAGGACACTTACAGCAGGG[C>G]CGGTTTCGCCTGATCGTCCACGGGGACCAGGAGGCCCAATGGGGCCAGGGATTCCATTAG-3'
Protein context (NP_001835.3, residues 1187-1207): PGPRGRSGET[Gly1197Ala]PAGPPGNPGP

ClinVar aggregate classification (germline): Pathogenic/Likely pathogenic. Review status: criteria provided, multiple submitters, no conflicts (2 of 4 stars). 2 submissions from 2 submitters: Pathogenic (1); Likely pathogenic (1). Last evaluated 2021-12-15.

Submissions (2):

Labcorp Genetics (formerly Invitae), Labcorp
Classification: Pathogenic. Last evaluated: 2021-12-15. Review status: criteria provided, single submitter. Criteria: Invitae Variant Classification Sherloc (09022015). Collection method: clinical testing. Allele origin: germline.
Comment: ClinVar contains an entry for this variant (Variation ID: 988359). This sequence change replaces glycine, which is neutral and non-polar, with alanine, which is neutral and non-polar, at codon 1197 of the COL2A1 protein (p.Gly1197Ala). This variant is not present in population databases (gnomAD no frequency). This missense change has been observed in individual(s) with COL2A1-related conditions (Invitae). Advanced modeling of protein sequence and biophysical properties (such as structural, functional, and spatial information, amino acid conservation, physicochemical variation, residue mobility, and thermodynamic stability) performed at Invitae indicates that this missense variant is expected to disrupt COL2A1 protein function. This variant disrupts the triple helix domain of COL2A1. Glycine residues within the Gly-Xaa-Yaa repeats of the triple helix domain are required for the structure and stability of fibrillar collagens (PMID: 7695699, 8218237, 19344236). In COL2A1, variants affecting these glycine residues are significantly enriched in individuals with disease (PMID: 9016532, 17078022) compared to the general population (ExAC). This variant disrupts the p.Gly1197 amino acid residue in COL2A1. Other variant(s) that disrupt this residue have been observed in individuals with COL2A1-related conditions (Invitae), which suggests that this may be a clinically significant amino acid residue. For these reasons, this variant has been classified as Pathogenic.

Clinical Genetics and Genomics, Karolinska University Hospital
Classification: Likely pathogenic. Last evaluated: 2015-12-10. Review status: criteria provided, single submitter. Criteria: ACMG Guidelines, 2015. Collection method: clinical testing. Allele origin: germline. Affected: yes. Observed: 1 variant allele.

Literature cited by the submitters: PubMed 7695699 (cited by Labcorp Genetics (formerly Invitae), Labcorp); PubMed 8218237 (cited by Labcorp Genetics (formerly Invitae), Labcorp); PubMed 19344236 (cited by Labcorp Genetics (formerly Invitae), Labcorp); PubMed 9016532 (cited by Labcorp Genetics (formerly Invitae), Labcorp); PubMed 17078022 (cited by Labcorp Genetics (formerly Invitae), Labcorp).